The following is an entry in ClinVar:

NM_001844.5(COL2A1):c.4011G>A (p.Trp1337Ter)

Gene: COL2A1 (collagen type II alpha 1 chain; minus strand). Cytogenetic location: 12q13.11.
Variant type: single nucleotide variant.
Coding change: c.4011G>A on transcript NM_001844.5 (MANE Select); coding-DNA position 4011, G replaced by A.
Protein change: p.Trp1337Ter; replaces tryptophan 1337 with a stop codon.
Molecular consequence: nonsense.
Genome position (GRCh38, 1-based): chr12:47,974,738, C>T on the plus strand (G>A on the coding strand, the complement: COL2A1 is on the minus strand). VCF-style: chr12-47974738-C-T. GRCh37 (hg19) VCF-style: chr12-48368521-C-T.
Other names: c.3804G>A, p.Trp1268Ter (NM_033150.3); short protein forms W1268*, W1337*.
Identifiers: ClinVar variation 2573732 (VCV002573732.2), dbSNP rs2540097262, ClinGen allele CA384535646.

ClinVar aggregate classification (germline): Pathogenic. Review status: criteria provided, multiple submitters, no conflicts (2 of 4 stars). 2 submissions from 2 submitters: Pathogenic (2). Last evaluated 2023-07-11.

Conditions:
COL2A1-related disorder. Also called: COL2A1-related condition; COL2A1-related disorders.

Submissions (2):

GeneDx
Classification: Pathogenic. Last evaluated: 2023-07-11. Review status: criteria provided, single submitter. Criteria: GeneDx Variant Classification Process June 2021. Collection method: clinical testing. Allele origin: germline. Affected: yes.
Comment: Not observed at significant frequency in large population cohorts (gnomAD); Nonsense variant predicted to result in protein truncation or nonsense mediated decay in a gene for which loss of function is a known mechanism of disease; This variant is associated with the following publications: (PMID: 28060400)

Blueprint Genetics
Classification: Pathogenic for COL2A1-related disorders. Last evaluated: 2020-07-15. Review status: criteria provided, single submitter. Criteria: ACMG Guidelines, 2015. Collection method: clinical testing. Allele origin: germline. Affected: yes. Observed: 1 variant allele.